The following is an entry in ClinVar:

ClinVar aggregate classification (germline): Pathogenic. Review status: criteria provided, multiple submitters, no conflicts (2 of 4 stars). 2 submissions from 2 submitters: Pathogenic (2). Last evaluated 2022-02-02.

Conditions:
Orofaciodigital syndrome I (OFD1). Also called: Papillon-Leage and Psaume Syndrome; OFDS I; Oral-Facial-Digital Syndrome Type I. Identifiers: Orphanet 2750, MedGen C1510460, MONDO:0010702, OMIM 311200.

Submissions (2):

Victorian Clinical Genetics Services, Murdoch Childrens Research Institute
Classification: Pathogenic for Orofaciodigital syndrome I. Last evaluated: 2022-02-02. Review status: criteria provided, single submitter. Criteria: ACMG Guidelines, 2015. Collection method: clinical testing. Allele origin: germline. Inheritance: X-linked dominant inheritance.
Comment: Based on the classification scheme VCGS_Germline_v1.3.4, this variant is classified as Pathogenic. Following criteria are met: 0102 - Loss of function is a known mechanism of disease in this gene and is associated with orofaciodigital syndrome I (MIM#311200), and other OFD1-related disease (OMIM). (I) 0108 - This gene is associated with both recessive and dominant X-linked disease. Variants reported to cause Joubert syndrome 10 (MIM#300804), Simpson-Golabi-Behmel syndrome, type 2 (MIM#300209) and retinitis pigmentosa 23 (MIM#300424) have been observed in asymptomatic female carriers. Variants causing OFD1 (MIM#311200) have been reported almost exclusively in females, where male lethality is suspected (PMID: 31373179, PMID: 23033313, PMID: 16783569, OMIM). (I) 0115 - Variants in this gene are known to have variable expressivity, where intra- and interfamilial phenotypic variability has been reported (PMID: 23033313). (I) 0201 - Variant is predicted to cause nonsense-mediated decay (NMD) and loss of protein (premature termination codon is located at least 54 nucleotides upstream of the final exon-exon junction). (SP) 0251 - This variant is heterozygous. (I) 0301 - Variant is absent from gnomAD (both v2 and v3). (SP) 0701 - Other NMD-predicted variants comparable to the one identified in this case have very strong previous evidence for pathogenicity. These variants have been reported many times as pathogenic and observed in female patients with orofaciodigital syndrome I (OFD1) (Decipher, PMID: 18546297). (SP) 0801 - This variant has strong previous evidence of pathogenicity in unrelated individuals. This variant has been reported as pathogenic (ClinVar), and observed in two de novo patients, and a family with OFD1 (PMID: 18546297, PMID: 23033313). (SP) Legend: (SP) - Supporting pathogenic, (I) - Information, (SB) - Supporting benign

GeneDx
Classification: Pathogenic. Last evaluated: 2019-03-07. Review status: criteria provided, single submitter. Criteria: GeneDx Variant Classification (06012015). Collection method: clinical testing. Allele origin: germline. Affected: yes.
Comment: The c.1979_1980delCT variant in the OFD1 gene has been reported previously as a likely de novo variant in two unrelated individuals with a clinical diagnosis of Oral-Facial-Digital syndrome type 1 (Prattichizzo et al., 2008). The c.1979_1980delCT variant causes a frameshift starting with codon Serine 660, changes this amino acid to a Cysteine residue, and creates a premature Stop codon at position 40 of the new reading frame, denoted p.Ser660CysfsX40. This variant is predicted to cause loss of normal protein function either through protein truncation or nonsense-mediated mRNA decay. The c.1979_1980delCT variant is not observed in large population cohorts (Lek et al., 2016). We interpret c.1979_1980delCT as a pathogenic variant,

Literature cited by the submitters: PubMed 16783569 (cited by Victorian Clinical Genetics Services, Murdoch Childrens Research Institute); PubMed 18546297 (cited by Victorian Clinical Genetics Services, Murdoch Childrens Research Institute); PubMed 23033313 (cited by Victorian Clinical Genetics Services, Murdoch Childrens Research Institute); PubMed 31373179 (cited by Victorian Clinical Genetics Services, Murdoch Childrens Research Institute).

NM_003611.3(OFD1):c.1979_1980del (p.Ser660fs)

Gene: OFD1 (OFD1 centriole and centriolar satellite protein; plus strand). Cytogenetic location: Xp22.2.
Variant type: Microsatellite.
Coding change: c.1979_1980del on transcript NM_003611.3 (MANE Select); coding-DNA positions 1979 to 1980, 2 bases deleted (CT; older notation c.1979_1980delCT).
Protein change: p.Ser660fs; shifts the reading frame from serine 660.
Molecular consequence: frameshift variant.
Genome position (GRCh38, 1-based): chrX:13,760,439-13,760,440, CT deleted; deleting any 2 consecutive bases within chrX:13,760,437-13,760,440 gives the same sequence; the c. name uses the placement nearest the transcript's 3' end. VCF-style (leftmost placement, unchanged base first): chrX-13760436-ACT-A. GRCh37 (hg19) VCF-style: chrX-13778555-ACT-A.
Other names: c.1859_1860del, p.Ser620fs (NM_001330209.2); c.1559_1560del, p.Ser520fs (NM_001330210.2); short protein forms S520fs, S620fs, S660fs.
Identifiers: ClinVar variation 41089 (VCV000041089.5), dbSNP rs312262887, ClinGen allele CA343980.
Genomic context (GRCh38, chrX:13,760,436, plus strand): 5'-AGCAAGAGGCCGAACGCTTGGAAAAGGCTTTCAGAAGTTACCATCGGAGAGTCATTAAAA[ACT>A]CTGCCAAAAGCCCACTAGCAGCAAAGAGCCCACCATCTCTGCACTTGCTGGAAGCCTTCA-3'